The following is an entry in ClinVar:

ClinVar aggregate classification (germline): Uncertain significance (1 of 4 stars; one submission).

gnomAD v4.1: 2 of 1,613,780 alleles (0.00012%); highest among the groups gnomAD compares: South Asian, 0.0022%; no homozygotes.

Submission:

Labcorp Genetics (formerly Invitae), Labcorp
Classification: Uncertain significance. Last evaluated: 2024-11-25. Review status: criteria provided, single submitter. Criteria: Invitae Variant Classification Sherloc (09022015). Collection method: clinical testing. Allele origin: germline.
Comment: This sequence change replaces glycine, which is neutral and non-polar, with serine, which is neutral and polar, at codon 1148 of the ZNF687 protein (p.Gly1148Ser). This variant is present in population databases (rs780020034, gnomAD 0.006%). This variant has not been reported in the literature in individuals affected with ZNF687-related conditions. An algorithm developed to predict the effect of missense changes on protein structure and function (PolyPhen-2) suggests that this variant is likely to be tolerated. In summary, the available evidence is currently insufficient to determine the role of this variant in disease. Therefore, it has been classified as a Variant of Uncertain Significance.

NM_020832.3(ZNF687):c.3442G>A (p.Gly1148Ser)

Gene: ZNF687 (zinc finger protein 687; plus strand). Cytogenetic location: 1q21.3.
Variant type: single nucleotide variant.
Coding change: c.3442G>A on transcript NM_020832.3 (MANE Select); coding-DNA position 3442, G replaced by A.
Protein change: p.Gly1148Ser; replaces glycine 1148 with serine.
Molecular consequence: missense variant.
Genome position (GRCh38, 1-based): chr1:151,290,937, G>A. VCF-style: chr1-151290937-G-A. GRCh37 (hg19) VCF-style: chr1-151263413-G-A.
Other names: c.3442G>A, p.Gly1148Ser (NM_001304763.2, NM_001304764.2); short protein forms G1148S.
Identifiers: ClinVar variation 3723278 (VCV003723278.2).